The following is an entry in ClinVar:

NM_145290.4(ADGRA3):c.3623A>G (p.Lys1208Arg)

Gene: ADGRA3 (adhesion G protein-coupled receptor A3; minus strand). Cytogenetic location: 4p15.2.
Variant type: single nucleotide variant.
Coding change: c.3623A>G on transcript NM_145290.4 (MANE Select); coding-DNA position 3623, A replaced by G.
Protein change: p.Lys1208Arg; replaces lysine 1208 with arginine.
Molecular consequence: missense variant.
Genome position (GRCh38, 1-based): chr4:22,388,048, T>C on the plus strand (A>G on the coding strand, the complement: ADGRA3 is on the minus strand). VCF-style: chr4-22388048-T-C. GRCh37 (hg19) VCF-style: chr4-22389671-T-C.
Other names: short protein forms K1208R.
Identifiers: ClinVar variation 1435659 (VCV001435659.6), dbSNP rs2108988348, ClinGen allele CA356472040.

ClinVar aggregate classification (germline): Uncertain significance (1 of 4 stars; one submission).

Submission:

Labcorp Genetics (formerly Invitae), Labcorp
Classification: Uncertain significance. Last evaluated: 2022-11-11. Review status: criteria provided, single submitter. Criteria: Invitae Variant Classification Sherloc (09022015). Collection method: clinical testing. Allele origin: germline.
Comment: In summary, the available evidence is currently insufficient to determine the role of this variant in disease. Therefore, it has been classified as a Variant of Uncertain Significance. Algorithms developed to predict the effect of missense changes on protein structure and function output the following: SIFT: "Tolerated"; PolyPhen-2: "Benign"; Align-GVGD: "Class C0". The arginine amino acid residue is found in multiple mammalian species, which suggests that this missense change does not adversely affect protein function. This sequence change replaces lysine, which is basic and polar, with arginine, which is basic and polar, at codon 1208 of the ADGRA3 protein (p.Lys1208Arg). ClinVar contains an entry for this variant (Variation ID: 1435659). This variant has not been reported in the literature in individuals affected with ADGRA3-related conditions. This variant is not present in population databases (gnomAD no frequency).